The following is an entry in ClinVar:

ClinVar aggregate classification (germline): Benign. Review status: reviewed by expert panel (3 of 4 stars). 38 submissions from 38 submitters: Benign (1). 37 of the submissions do not count toward it. Last evaluated 2015-08-10.
ClinVar aggregate classification (somatic clinical impact): Tier IV - Benign/Likely benign (0 of 4 stars; one submission).

Conditions:
BRCA1-related cancer predisposition. Identifiers: MedGen CN377757, MONDO:0700268.
Breast-ovarian cancer, familial, susceptibility to, 1 (BROVCA1). Also called: BRCA1 Hereditary Breast and Ovarian Cancer; OVARIAN CANCER, SUSCEPTIBILITY TO. Identifiers: Orphanet 145, MedGen C2676676, MONDO:0011450, OMIM 604370. Disease mechanism: loss of function.
Fanconi anemia, complementation group S (FANCS). Identifiers: MedGen C4554406, MONDO:0054748, OMIM 617883.
Pancreatic cancer, susceptibility to, 4. Identifiers: Orphanet 1333, MedGen C3280442, MONDO:0013685, OMIM 614320.
Familial cancer of breast. Also called: Hereditary breast cancer; BREAST CANCER, FAMILIAL; hereditary breast carcinoma. Identifiers: Orphanet 227535, MedGen C0346153, MONDO:0016419, OMIM 114480. Disease mechanism: loss of function.
Hereditary cancer-predisposing syndrome. Also called: Neoplastic Syndromes, Hereditary; Tumor predisposition; Hereditary Cancer Syndrome; Hereditary neoplastic syndrome. Identifiers: Orphanet 140162, MedGen C0027672, MeSH D009386, MONDO:0015356.
Hereditary breast ovarian cancer syndrome. Also called: Hereditary breast and ovarian cancer; Hereditary breast and ovarian cancer syndrome; Hereditary breast and ovarian cancer syndrome (HBOC); Hereditary breast and/or ovarian cancer syndrome; Breast and ovarian cancer; BRCA1- and BRCA2-Associated Hereditary Breast and Ovarian Cancer. Identifiers: Orphanet 145, MedGen C0677776, MeSH D061325, MONDO:0003582. Disease mechanism: loss of function.
Breast carcinoma. Also called: Carcinoma of breast. Identifiers: MedGen C0678222, MONDO:0004989, HP:0003002.
Malignant tumor of breast. Also called: Malignant breast neoplasm; Cancer breast. Identifiers: MedGen C0006142, MONDO:0007254. Disease mechanism: loss of function.

Allele frequency attached by ClinVar (database versions not stated): ESP Exome Variant Server 0.29817; TOPMed 0.30337; 1000 Genomes Project 30x 0.35025; 1000 Genomes Project 0.35583.
gnomAD v4.1: 545,124 of 1,613,902 alleles (34%); highest among the groups gnomAD compares: South Asian, 50%; 94,249 homozygotes.

Submissions 1 to 17 of 39:

Evidence-based Network for the Interpretation of Germline Mutant Alleles (ENIGMA)
Classification: Benign for Breast-ovarian cancer, familial 1. Last evaluated: 2015-08-10. Review status: reviewed by expert panel. Criteria: ENIGMA BRCA1/2 Classification Criteria (2015). Collection method: curation. Allele origin: germline.
Comment: IARC class based on posterior probability from multifactorial likelihood analysis, thresholds for class as per Plon et al. 2008 (PMID: 18951446). Class 1 based on posterior probability = 0.00000000000309. Also class 1 based on frequency >1% in an outbred sampleset. Frequency 0.3322 (Asian), 0.2195 (African), 0.3615 (European), derived from 1000 genomes (2012-04-30).

Labcorp Genetics (formerly Invitae), Labcorp
Classification: Benign for Hereditary breast ovarian cancer syndrome. Last evaluated: 2026-02-04. Review status: criteria provided, single submitter. Criteria: Invitae Variant Classification Sherloc (09022015). Collection method: clinical testing. Allele origin: germline. Not counted in ClinVar's aggregate classification.

ARUP Laboratories, Molecular Genetics and Genomics, ARUP Laboratories
Classification: Benign. Last evaluated: 2025-07-31. Review status: criteria provided, single submitter. Criteria: ARUP Molecular Germline Variant Investigation Process 2024. Collection method: clinical testing. Allele origin: germline. Not counted in ClinVar's aggregate classification.

Blueprint Genetics
Classification: Likely benign. Last evaluated: 2024-11-28. Review status: criteria provided, single submitter. Criteria: ACMG Guidelines, 2015. Collection method: clinical testing. Allele origin: germline. Not counted in ClinVar's aggregate classification.

All of Us Research Program, National Institutes of Health
Classification: Benign for BRCA1-related cancer predisposition. Last evaluated: 2024-10-03. Review status: criteria provided, single submitter. Criteria: ACMG Guidelines, 2015. Collection method: clinical testing. Allele origin: germline. Inheritance: Autosomal dominant inheritance. Observed: 77,542 variant alleles, 62,014 heterozygotes, 15,508 homozygotes, 20 hemizygotes. Not counted in ClinVar's aggregate classification.
Comment: This study involves interpretation of variants in research participants for the purpose of population health screening. Participant phenotype was not available at the time of variant classification. Additional details can be found in publication PMID: 35346344, PMCID: PMC8962531

KCCC/NGS Laboratory, Kuwait Cancer Control Center
Classification: Benign for Breast-ovarian cancer, familial, susceptibility to, 1. Last evaluated: 2023-07-07. Review status: criteria provided, single submitter. Criteria: ACMG Guidelines, 2015. Collection method: clinical testing. Allele origin: germline. Affected: yes. Not counted in ClinVar's aggregate classification.

Fulgent Genetics
Classification: Benign for Familial cancer of breast; Breast-ovarian cancer, familial, susceptibility to, 1; Pancreatic cancer, susceptibility to, 4; Fanconi anemia, complementation group S. Last evaluated: 2022-05-06. Review status: criteria provided, single submitter. Criteria: ACMG Guidelines, 2015. Collection method: clinical testing. Allele origin: unknown. Not counted in ClinVar's aggregate classification.

National Health Laboratory Service, Universitas Academic Hospital and University of the Free State
Classification: Benign for Hereditary breast ovarian cancer syndrome. Last evaluated: 2022-04-19. Review status: criteria provided, single submitter. Criteria: ACMG Guidelines, 2015. Collection method: clinical testing. Allele origin: germline. Affected: yes. Observed: 638 variant alleles. Not counted in ClinVar's aggregate classification.

Color Diagnostics, LLC DBA Color Health
Classification: Benign for Hereditary cancer-predisposing syndrome. Last evaluated: 2022-01-02. Review status: criteria provided, single submitter. Criteria: ACMG Guidelines, 2015. Collection method: clinical testing. Allele origin: germline. Not counted in ClinVar's aggregate classification.

Genetics Program, Instituto Nacional de Cancer
Classification: Benign for Hereditary breast ovarian cancer syndrome. Last evaluated: 2021-11-01. Review status: criteria provided, single submitter. Criteria: ACMG Guidelines, 2015. Collection method: research. Allele origin: germline. Affected: yes. Not counted in ClinVar's aggregate classification.

Genomic Research Center, Shahid Beheshti University of Medical Sciences
Classification: Benign for Familial cancer of breast. Last evaluated: 2020-05-03. Review status: criteria provided, single submitter. Criteria: ACMG Guidelines, 2015. Collection method: clinical testing. Allele origin: unknown. Affected: yes. Not counted in ClinVar's aggregate classification.

Sema4
Classification: Benign for Hereditary cancer-predisposing syndrome. Last evaluated: 2020-02-06. Review status: criteria provided, single submitter. Criteria: Sema4 Curation Guidelines. Collection method: curation. Allele origin: germline. Not counted in ClinVar's aggregate classification.

Center for Medical Genomics, Faculty of Medicine, Ramathibodi Hospital, Mahidol University
Classification: Benign for Breast carcinoma. Last evaluated: 2019-04-03. Review status: criteria provided, single submitter. Criteria: ACMG Guidelines, 2015. Collection method: clinical testing. Allele origin: germline. Affected: yes. Not counted in ClinVar's aggregate classification.

Illumina Laboratory Services, Illumina
Classification: Benign for Breast-ovarian cancer, familial, susceptibility to, 1. Last evaluated: 2018-03-06. Review status: criteria provided, single submitter. Criteria: ICSL Variant Classification Criteria 13 December 2019. Collection method: clinical testing. Allele origin: germline. Not counted in ClinVar's aggregate classification.
Comment: This variant was observed in the ICSL laboratory as part of a predisposition screen in an ostensibly healthy population. It had not been previously curated by ICSL or reported in the Human Gene Mutation Database (HGMD: prior to June 1st, 2018), and was therefore a candidate for classification through an automated scoring system. Utilizing variant allele frequency, disease prevalence and penetrance estimates, and inheritance mode, an automated score was calculated to assess if this variant is too frequent to cause the disease. Based on the score and internal cut-off values, a variant classified as benign is not then subjected to further curation. The score for this variant resulted in a classification of benign for this disease.

GeneKor MSA
Classification: Benign. Last evaluated: 2017-11-01. Review status: criteria provided, single submitter. Criteria: ACMG Guidelines, 2015. Collection method: clinical testing. Allele origin: germline. Affected: yes. Not counted in ClinVar's aggregate classification.

Cancer Genetics and Genomics Laboratory, British Columbia Cancer Agency
Classification: Benign. Last evaluated: 2017-04-18. Review status: criteria provided, single submitter. Criteria: ACMG Guidelines, 2015. Collection method: clinical testing. Allele origin: germline. Study: The Canadian Open Genetics Repository (COGR). Not counted in ClinVar's aggregate classification.

Baylor Genetics
Classification: Benign for Familial cancer of breast. Last evaluated: 2017-02-23. Review status: criteria provided, single submitter. Criteria: ACMG Guidelines, 2015. Collection method: clinical testing. Allele origin: germline. Inheritance: Autosomal dominant inheritance. Affected: no. Not counted in ClinVar's aggregate classification.

NM_007294.4(BRCA1):c.4837A>G (p.Ser1613Gly)

Gene: BRCA1 (BRCA1 DNA repair associated; minus strand). Cytogenetic location: 17q21.31.
Variant type: single nucleotide variant.
Coding change: c.4837A>G on transcript NM_007294.4 (MANE Select); coding-DNA position 4837, A replaced by G.
Protein change: p.Ser1613Gly; replaces serine 1613 with glycine.
Molecular consequence: missense variant. On other transcripts: non-coding transcript variant (1).
Genome position (GRCh38, 1-based): chr17:43,071,077, T>C on the plus strand (A>G on the coding strand, the complement: BRCA1 is on the minus strand). VCF-style: chr17-43071077-T-C. GRCh37 (hg19) VCF-style: chr17-41223094-T-C.
Other names: 4956A>G; c.4624A>G, p.Ser1542Gly (NM_001407571.1, NM_001407900.1, NM_001407902.1 and 12 more transcripts); c.4903A>G, p.Ser1635Gly (NM_001407581.1, NM_001407582.1); c.4900A>G, p.Ser1634Gly (NM_001407583.1, NM_001407585.1, NM_001407587.1 and 1 more transcripts); c.4897A>G, p.Ser1633Gly (NM_001407590.1, NM_001407591.1); c.4837A>G, p.Ser1613Gly (NM_001407593.1, NM_001407594.1, NM_001407596.1 and 8 more transcripts); c.4834A>G, p.Ser1612Gly (NM_001407610.1, NM_001407611.1, NM_001407612.1 and 17 more transcripts); c.4831A>G, p.Ser1611Gly (NM_001407629.1, NM_001407630.1, NM_001407631.1 and 14 more transcripts); and 71 more; short protein forms S1613G, S1634G, S509G, S1566G, S1486G, S1524G, S1542G, S1543G.
Identifiers: ClinVar variation 41827 (VCV000041827.96), dbSNP rs1799966, ClinGen allele CA003044.